The following is an entry in ClinVar:

NM_152618.3(BBS12):c.1662A>G (p.Ala554=)

Gene: BBS12 (Bardet-Biedl syndrome 12; plus strand). Cytogenetic location: 4q27.
Variant type: single nucleotide variant.
Coding change: c.1662A>G on transcript NM_152618.3 (MANE Select); coding-DNA position 1662, A replaced by G.
Protein change: p.Ala554=; no amino-acid change (alanine 554 retained).
Molecular consequence: synonymous variant.
Genome position (GRCh38, 1-based): chr4:122,743,554, A>G. VCF-style: chr4-122743554-A-G. GRCh37 (hg19) VCF-style: chr4-123664709-A-G.
Other names: c.1662A>G, p.Ala554= (NM_001178007.2); c.1662A>G (NM_152618.2).
Identifiers: ClinVar variation 1609659 (VCV001609659.9), dbSNP rs1424604685, ClinGen allele CA441121308.

ClinVar aggregate classification (germline): Likely benign. Review status: criteria provided, multiple submitters, no conflicts (2 of 4 stars). 2 submissions from 2 submitters: Likely benign (2). Last evaluated 2025-01-14.

Conditions:
Bardet-Biedl syndrome (BBS). Identifiers: Orphanet 110, MedGen C0752166, MONDO:0015229.
BBS12-related disorder. Also called: BBS12-related condition.

Allele frequency attached by ClinVar (database versions not stated): gnomAD exomes below 0.00001; gnomAD 0.00002; TOPMed 0.00002.
gnomAD v4.1: 7 of 1,614,104 alleles (0.00043%); highest among the groups gnomAD compares: African/African-American, 0.008%; no homozygotes.

Submissions (2):

PreventionGenetics, part of Exact Sciences
Classification: Likely benign for BBS12-related condition. Last evaluated: 2025-01-14. Review status: criteria provided, single submitter. Criteria: ACMG Guidelines, 2015. Collection method: clinical testing. Allele origin: germline.
Comment: This variant is classified as likely benign based on ACMG/AMP sequence variant interpretation guidelines (Richards et al. 2015 PMID: 25741868, with internal and published modifications).

Labcorp Genetics (formerly Invitae), Labcorp
Classification: Likely benign for Bardet-Biedl syndrome. Last evaluated: 2023-11-13. Review status: criteria provided, single submitter. Criteria: Invitae Variant Classification Sherloc (09022015). Collection method: clinical testing. Allele origin: germline.